The following is an entry in ClinVar:

ClinVar aggregate classification (germline): Uncertain significance. Review status: criteria provided, multiple submitters, no conflicts (2 of 4 stars). 2 submissions from 2 submitters: Uncertain significance (2). Last evaluated 2019-06-18.

Conditions:
Cardiovascular phenotype. Identifiers: MedGen CN230736.
Hypertrophic cardiomyopathy. Also called: HYPERTROPHIC MYOCARDIOPATHY. Identifiers: Orphanet 217569, MedGen C0007194, MeSH D002312, MONDO:0005045, HP:0001639.

Submissions (2):

Labcorp Genetics (formerly Invitae), Labcorp
Classification: Uncertain significance for Hypertrophic cardiomyopathy. Last evaluated: 2019-06-18. Review status: criteria provided, single submitter. Criteria: Invitae Variant Classification Sherloc (09022015). Collection method: clinical testing. Allele origin: germline.
Comment: In summary, the available evidence is currently insufficient to determine the role of this variant in disease. Therefore, it has been classified as a Variant of Uncertain Significance. Algorithms developed to predict the effect of sequence changes on RNA splicing suggest that this variant may create or strengthen a splice site, but this prediction has not been confirmed by published transcriptional studies. Algorithms developed to predict the effect of missense changes on protein structure and function are either unavailable or do not agree on the potential impact of this missense change (SIFT: "Tolerated"; PolyPhen-2: "Probably Damaging"; Align-GVGD: "Class C0"). This variant has not been reported in the literature in individuals with JPH2-related conditions. ClinVar contains an entry for this variant (Variation ID: 263513). The frequency data for this variant in the population databases is considered unreliable, as metrics indicate insufficient coverage at this position in the ExAC database. This sequence change replaces leucine with glutamine at codon 159 of the JPH2 protein (p.Leu159Gln). The leucine residue is moderately conserved and there is a moderate physicochemical difference between leucine and glutamine.

Ambry Genetics
Classification: Uncertain significance for Cardiovascular phenotype. Last evaluated: 2013-02-07. Review status: criteria provided, single submitter. Criteria: Ambry Autosomal Dominant and X-Linked criteria (10/2015). Collection method: clinical testing. Allele origin: germline. Observed: 1 variant allele.
Comment: There is insufficient or conflicting evidence for classification of this alteration.

NM_020433.5(JPH2):c.476T>A (p.Leu159Gln)

Gene: JPH2 (junctophilin 2; minus strand). Cytogenetic location: 20q13.12.
Variant type: single nucleotide variant.
Coding change: c.476T>A on transcript NM_020433.5 (MANE Select); coding-DNA position 476, T replaced by A.
Protein change: p.Leu159Gln; replaces leucine 159 with glutamine.
Molecular consequence: missense variant.
Genome position (GRCh38, 1-based): chr20:44,160,311, A>T on the plus strand (T>A on the coding strand, the complement: JPH2 is on the minus strand). VCF-style: chr20-44160311-A-T. GRCh37 (hg19) VCF-style: chr20-42788951-A-T.
Other names: short protein forms L159Q.
Identifiers: ClinVar variation 263513 (VCV000263513.12), dbSNP rs886038834, ClinGen allele CA10587929.